The following is an entry in ClinVar:

NM_000057.4(BLM):c.1683TGA[6] (p.Asp566dup)

Gene: BLM (BLM RecQ like helicase; plus strand). Cytogenetic location: 15q26.1.
Variant type: Microsatellite.
Coding change: c.1683TGA[6] on transcript NM_000057.4 (MANE Select); six copies in a row of the 3-base unit TGA starting at c.1683; the reference has five copies in a row; one copy, 3 bases duplicated.
Protein change: p.Asp566dup; duplicates aspartic acid 566.
Molecular consequence: inframe insertion.
Genome position (GRCh38, 1-based): chr15:90,761,068-90,761,070, TGA duplicated; duplicating any 3 consecutive bases within chr15:90,761,056-90,761,070 gives the same sequence; the position shown is the placement nearest the transcript's 3' end. VCF-style (leftmost placement, unchanged base first): chr15-90761055-T-TTGA. GRCh37 (hg19) VCF-style: chr15-91304285-T-TTGA.
Other names: c.1683TGA[6], p.Asp566dup (NM_001287246.2, NM_001287247.2); c.558TGA[6], p.Asp191dup (NM_001287248.2); c.1695_1697dupTGA (NM_000057.4).
Identifiers: ClinVar variation 485352 (VCV000485352.13), dbSNP rs768095141, ClinGen allele CA7738573.

ClinVar aggregate classification (germline): Uncertain significance. Review status: criteria provided, multiple submitters, no conflicts (2 of 4 stars). 3 submissions from 3 submitters: Uncertain significance (2). 1 of the submissions does not count toward it. Last evaluated 2025-08-24.

Conditions:
Hereditary cancer-predisposing syndrome. Also called: Neoplastic Syndromes, Hereditary; Tumor predisposition; Hereditary Cancer Syndrome; Hereditary neoplastic syndrome. Identifiers: Orphanet 140162, MedGen C0027672, MeSH D009386, MONDO:0015356.
Bloom syndrome (BLM). Also called: Bloom-Torre-Machacek syndrome. Identifiers: Orphanet 125, MedGen C0005859, MONDO:0008876, OMIM 210900.

Submissions (3):

Labcorp Genetics (formerly Invitae), Labcorp
Classification: Uncertain significance for Bloom syndrome. Last evaluated: 2025-08-24. Review status: criteria provided, single submitter. Criteria: Invitae Variant Classification Sherloc (09022015). Collection method: clinical testing. Allele origin: germline.
Comment: This variant, c.1695_1697dup, results in the insertion of 1 amino acid(s) of the BLM protein (p.Asp566dup), but otherwise preserves the integrity of the reading frame. This variant is present in population databases (rs776238917, gnomAD 0.02%). This variant has not been reported in the literature in individuals affected with BLM-related conditions. ClinVar contains an entry for this variant (Variation ID: 485352). Experimental studies and prediction algorithms are not available or were not evaluated, and the functional significance of this variant is currently unknown. In summary, the available evidence is currently insufficient to determine the role of this variant in disease. Therefore, it has been classified as a Variant of Uncertain Significance.

Ambry Genetics
Classification: Uncertain significance for Hereditary cancer-predisposing syndrome. Last evaluated: 2024-09-27. Review status: criteria provided, single submitter. Criteria: Ambry Variant Classification Scheme 2023. Collection method: clinical testing. Allele origin: germline.
Comment: The c.1695_1697dupTGA variant (also known as p.D566dup), located in coding exon 6 of the BLM gene, results from an in-frame duplication of TGA at nucleotide positions 1695 to 1697. This results in the duplication of an aspartic acid residue at codon 566. This amino acid position is not well conserved in available vertebrate species. In addition, this alteration is predicted to be neutral by in silico analysis (Choi Y et al. PLoS ONE. 2012; 7(10):e46688). Based on the available evidence, the clinical significance of this variant remains unclear.

Natera, Inc.
Classification: Uncertain significance for Bloom syndrome. Last evaluated: 2020-09-16. Review status: no assertion criteria provided. Collection method: clinical testing. Allele origin: germline. Not counted in ClinVar's aggregate classification.